The following is an entry in ClinVar:

ClinVar aggregate classification (germline): Uncertain significance. Review status: criteria provided, multiple submitters, no conflicts (2 of 4 stars). 2 submissions from 2 submitters: Uncertain significance (2). Last evaluated 2024-12-10.

Conditions:
Hereditary cancer-predisposing syndrome. Also called: Hereditary Cancer Syndrome; Neoplastic Syndromes, Hereditary; Tumor predisposition; Hereditary neoplastic syndrome. Identifiers: Orphanet 140162, MedGen C0027672, MeSH D009386, MONDO:0015356.
Rhabdoid tumor predisposition syndrome 2 (RTPS2). Identifiers: Orphanet 231108, Orphanet 69077, MedGen C2750074, MONDO:0013224, OMIM 613325.

Submissions (2):

Labcorp Genetics (formerly Invitae), Labcorp
Classification: Uncertain significance for Rhabdoid tumor predisposition syndrome 2. Last evaluated: 2024-12-10. Review status: criteria provided, single submitter. Criteria: Invitae Variant Classification Sherloc (09022015). Collection method: clinical testing. Allele origin: germline.
Comment: This sequence change creates a premature translational stop signal (p.Ser1672*) in the SMARCA4 gene. While this is not anticipated to result in nonsense mediated decay, it is expected to disrupt the last 8 amino acid(s) of the SMARCA4 protein. This variant is not present in population databases (gnomAD no frequency). This variant has not been reported in the literature in individuals affected with SMARCA4-related conditions. ClinVar contains an entry for this variant (Variation ID: 1744780). In summary, the available evidence is currently insufficient to determine the role of this variant in disease. Therefore, it has been classified as a Variant of Uncertain Significance.

Ambry Genetics
Classification: Uncertain significance for Hereditary cancer-predisposing syndrome. Last evaluated: 2021-05-09. Review status: criteria provided, single submitter. Criteria: Ambry Variant Classification Scheme 2023. Collection method: clinical testing. Allele origin: germline.
Comment: The p.S1672* variant (also known as c.5015C>G), located in coding exon 35 of the SMARCA4 gene, results from a C to G substitution at nucleotide position 5015. This changes the amino acid from a serine to a stop codon within coding exon 35. This alteration occurs at the 3' terminus of theSMARCA4 gene, is not expected to trigger nonsense-mediated mRNAdecay, and only impacts the last 7amino acids of the protein. The exact functional effect of this alteration is unknown. Since supporting evidence is limited at this time, the clinical significance of this alteration remains unclear.

NM_003072.5(SMARCA4):c.4919C>G (p.Ser1640Ter)

Gene: SMARCA4 (SWI/SNF related BAF chromatin remodeling complex subunit ATPase 4; plus strand). Cytogenetic location: 19p13.2.
Variant type: single nucleotide variant.
Coding change: c.4919C>G on transcript NM_003072.5 (MANE Select); coding-DNA position 4919, C replaced by G.
Protein change: p.Ser1640Ter; replaces serine 1640 with a stop codon.
Molecular consequence: nonsense. On other transcripts: non-coding transcript variant (1).
Genome position (GRCh38, 1-based): chr19:11,061,791, C>G. VCF-style: chr19-11061791-C-G. GRCh37 (hg19) VCF-style: chr19-11172467-C-G.
Other names: c.4919C>G, p.Ser1640Ter (NM_001128844.3); c.4829C>G, p.Ser1610Ter (NM_001128845.2); c.4826C>G, p.Ser1609Ter (NM_001128846.2); c.4820C>G, p.Ser1607Ter (NM_001128847.4, NM_001374457.1); c.4817C>G, p.Ser1606Ter (NM_001128848.2); c.5015C>G, p.Ser1672Ter (NM_001128849.3, NM_001387283.1); c.4916C>G, p.Ser1639Ter (NM_001411150.1); short protein forms S1606*, S1609*, S1610*, S1639*, S1607*, S1640*, S1672*.
Identifiers: ClinVar variation 1744780 (VCV001744780.5), dbSNP rs1345181111, ClinGen allele CA404081826.
Genomic context (GRCh38, chr19:11,061,791, plus strand): 5'-GTGCCCTGGCAGGGGTGGCCAACGCACACTCTCTCCTCCTGTCCCCTCTCCAGGACCGCT[C>G]AGGAAGTGGCAGCGAAGAAGACTGAGCCCCGACATTCCAGTCTCGACCCCGAGCCCCTCG-3'